The following is an entry in ClinVar:

NM_000135.4(FANCA):c.525T>G (p.Ser175Arg)

Gene: FANCA (FA complementation group A; minus strand). Cytogenetic location: 16q24.3.
Variant type: single nucleotide variant.
Coding change: c.525T>G on transcript NM_000135.4 (MANE Select); coding-DNA position 525, T replaced by G.
Protein change: p.Ser175Arg; replaces serine 175 with arginine.
Molecular consequence: missense variant.
Genome position (GRCh38, 1-based): chr16:89,808,365, A>C on the plus strand (T>G on the coding strand, the complement: FANCA is on the minus strand). VCF-style: chr16-89808365-A-C. GRCh37 (hg19) VCF-style: chr16-89874773-A-C.
Other names: c.525T>G, p.Ser175Arg (NM_001018112.3, NM_001286167.3); c.429T>G, p.Ser143Arg (NM_001351830.2); short protein forms S175R, S143R.
Identifiers: ClinVar variation 5036358 (VCV005036358.1).

ClinVar aggregate classification (germline): Uncertain significance (1 of 4 stars; one submission).

Conditions:
Inborn genetic diseases. Identifiers: MedGen C0950123, MeSH D030342.

Submission:

Ambry Genetics
Classification: Uncertain significance for Inborn genetic diseases. Last evaluated: 2026-07-17. Review status: criteria provided, single submitter. Criteria: Ambry Variant Classification Scheme 2023. Collection method: clinical testing. Allele origin: germline.
Comment: The p.S175R variant (also known as c.525T>G), located in coding exon 6 of the FANCA gene, results from a T to G substitution at nucleotide position 525. The serine at codon 175 is replaced by arginine, an amino acid with dissimilar properties. This amino acid position is conserved. In addition, this alteration is predicted to be tolerated by in silico analysis. Based on the available evidence, the clinical significance of this variant remains unclear.